The following is an entry in ClinVar:

ClinVar aggregate classification (germline): Conflicting classifications of pathogenicity. Review status: criteria provided, conflicting classifications (1 of 4 stars). 2 submissions from 2 submitters: Uncertain significance (1); Likely benign (1). Last evaluated 2025-04-21.

Conditions:
Inborn genetic diseases. Identifiers: MedGen C0950123, MeSH D030342.

Allele frequency attached by ClinVar (database versions not stated): ExAC 0.00001; gnomAD 0.00001; gnomAD exomes 0.00002; TOPMed 0.00002.
gnomAD v4.1: 19 of 1,160,768 alleles (0.0016%); highest among the groups gnomAD compares: Admixed American, 0.0022%; no homozygotes.

Submissions (2):

Ambry Genetics
Classification: Uncertain significance for Inborn genetic diseases. Last evaluated: 2025-04-21. Review status: criteria provided, single submitter. Criteria: Ambry Variant Classification Scheme 2023. Collection method: clinical testing. Allele origin: germline.

CeGaT Center for Human Genetics Tuebingen
Classification: Likely benign. Last evaluated: 2023-09-01. Review status: criteria provided, single submitter. Criteria: CeGaT Center For Human Genetics Tuebingen Variant Classification Criteria Version 2. Collection method: clinical testing. Allele origin: germline. Affected: yes. Observed: 1 variant allele.
Comment: AFF2: BP4

NM_002025.4(AFF2):c.2906C>T (p.Ser969Leu)

Gene: AFF2 (ALF transcription elongation factor 2; plus strand). Cytogenetic location: Xq28.
Variant type: single nucleotide variant.
Coding change: c.2906C>T on transcript NM_002025.4 (MANE Select); coding-DNA position 2906, C replaced by T.
Protein change: p.Ser969Leu; replaces serine 969 with leucine.
Molecular consequence: missense variant.
Genome position (GRCh38, 1-based): chrX:148,962,930, C>T. VCF-style: chrX-148962930-C-T. GRCh37 (hg19) VCF-style: chrX-148044460-C-T.
Other names: c.2807C>T, p.Ser936Leu (NM_001169122.2); c.2876C>T, p.Ser959Leu (NM_001169123.2); c.2801C>T, p.Ser934Leu (NM_001169124.2); c.2789C>T, p.Ser930Leu (NM_001169125.2); c.1829C>T, p.Ser610Leu (NM_001170628.1); c.2906C>T (NM_002025.3); short protein forms S610L, S930L, S934L, S936L, S959L, S969L.
Identifiers: ClinVar variation 2661611 (VCV002661611.24), dbSNP rs782779717, ClinGen allele CA10537213.